The following is an entry in ClinVar:

NM_000536.4(RAG2):c.1332C>G (p.Ile444Met)

Gene: RAG2 (recombination activating 2; minus strand). Cytogenetic location: 11p12.
Variant type: single nucleotide variant.
Coding change: c.1332C>G on transcript NM_000536.4 (MANE Select); coding-DNA position 1332, C replaced by G.
Protein change: p.Ile444Met; replaces isoleucine 444 with methionine.
Molecular consequence: missense variant.
Genome position (GRCh38, 1-based): chr11:36,592,837, G>C on the plus strand (C>G on the coding strand, the complement: RAG2 is on the minus strand). VCF-style: chr11-36592837-G-C. GRCh37 (hg19) VCF-style: chr11-36614387-G-C.
Other names: NM_000536.4(RAG2):c.1332C>G; p.Ile444Met; c.1332C>G, p.Ile444Met (NM_001243785.2, NM_001243786.2); short protein forms I444M.
Identifiers: ClinVar variation 496628 (VCV000496628.5), dbSNP rs1564995662, ClinGen allele CA380140600.

ClinVar aggregate classification (germline): Likely pathogenic. Review status: reviewed by expert panel (3 of 4 stars). 4 submissions from 4 submitters: Likely pathogenic (1). 3 of the submissions do not count toward it. Last evaluated 2024-04-01.

Conditions:
Recombinase activating gene 2 deficiency. Also called: RAG2 deficiency. Identifiers: MedGen CN257931, MONDO:0000573.
Histiocytic medullary reticulosis. Also called: SEVERE COMBINED IMMUNODEFICIENCY WITH HYPEREOSINOPHILIA; Omenn syndrome. Identifiers: Orphanet 39041, MedGen C2700553, MONDO:0011338, OMIM 603554.
Inborn error of immunity. Also called: Inborn errors of immunity; Primary immunodeficiency. Identifiers: Orphanet 101997, MedGen C0398686, MONDO:0003778.
Severe combined immunodeficiency, B cell-negative. Identifiers: MedGen C1867362.

Submissions (4):

ClinGen Severe Combined Immunodeficiency Variant Curation Expert Panel, ClinGen
Classification: Likely pathogenic for Recombinase activating gene 2 deficiency. Last evaluated: 2024-04-01. Review status: reviewed by expert panel. Criteria: ClinGen SCID ACMG Specifications RAG2 V1.0.0. Collection method: curation. Allele origin: germline. Inheritance: Autosomal recessive inheritance.
Comment: The c.1332C>G (NM_000536.4) variant in RAG2 is a missense variant predicted to cause the substitution of Isoleucine by Methionine at amino acid 444 (p.Ile444Met). This variant is absent from gnomAD v4 (PM2_Supporting). This variant is located in the PHD domain, amino acids 414-487 of RAG2, which is defined as a critical functional domain by the ClinGen SCID VCEP (PMID: 26996199); PM1. The recombination activity assay showed activity of this variant compared to wildtype RAG2 is 2.7% (SEM 0.3), which is lower than the SCID VCEP threshold (<25%) for PS3_Moderate, meeting this criterion (PS3_Moderate, PMID 29772310). Diagnostic criteria for SCID/Leaky SCID/Omenn syndrome met 0.5 pts T-B-NK+ lymphocyte subset profile 0.5 pts, the total is 1 point, PP4 is met (Same patient was reported in PMIDs: 19912631, 29772310, and 32691468). The proband (P32) is homozygous for this variant (0.5 pts; PM3_Supporting; PMID: 29772310). In summary, this variant meets the criteria to be classified as Likely Pathogenic for autosomal recessive recombinase activating gene 2 deficiency based on the ACMG/AMP criteria applied, as specified by the ClinGen SCID VCEP. Criteria applied: PM2_Supporting, PM1_Moderate, PS3_Moderate, PP4 and PM3_Supporting. (VCEP specifications version 1.0).

Genomic Medicine Center of Excellence, King Faisal Specialist Hospital and Research Centre
Classification: Likely pathogenic for Severe combined immunodeficiency, B cell-negative. Last evaluated: 2024-03-14. Review status: criteria provided, single submitter. Criteria: ACMG Guidelines, 2015. Collection method: clinical testing. Allele origin: germline. Not counted in ClinVar's aggregate classification.

Baylor Genetics
Classification: Likely pathogenic for Histiocytic medullary reticulosis. Last evaluated: 2019-12-18. Review status: criteria provided, single submitter. Criteria: ACMG Guidelines, 2015. Collection method: clinical testing. Allele origin: unknown. Affected: yes. Not counted in ClinVar's aggregate classification.
Comment: This variant was determined to be likely pathogenic according to ACMG Guidelines, 2015 [PMID:25741868].

Pediatric Immunology Service, The Chaim Sheba Medical Center at Tel HaShomer
Classification: Uncertain significance for RAG2 deficiency; Primary immunodeficiency; Omenn syndrome. Last evaluated: 2018-03-06. Review status: criteria provided, single submitter. Criteria: ACMG Guidelines, 2015. Collection method: research. Allele origin: germline. Affected: yes. Not counted in ClinVar's aggregate classification.

Literature cited by the submitters: PubMed 19912631 (cited by Pediatric Immunology Service, The Chaim Sheba Medical Center at Tel HaShomer).